The following is an entry in ClinVar:

NM_172107.4(KCNQ2):c.1630T>C (p.Cys544Arg)

Gene: KCNQ2 (potassium voltage-gated channel subfamily Q member 2; minus strand). Cytogenetic location: 20q13.33.
Variant type: single nucleotide variant.
Coding change: c.1630T>C on transcript NM_172107.4 (MANE Select); coding-DNA position 1630, T replaced by C.
Protein change: p.Cys544Arg; replaces cysteine 544 with arginine.
Molecular consequence: missense variant.
Genome position (GRCh38, 1-based): chr20:63,414,089, A>G on the plus strand (T>C on the coding strand, the complement: KCNQ2 is on the minus strand). VCF-style: chr20-63414089-A-G. GRCh37 (hg19) VCF-style: chr20-62045442-A-G.
Other names: c.1576T>C, p.Cys526Arg (NM_001382235.1, NM_172106.3); c.1546T>C, p.Cys516Arg (NM_004518.6); c.1537T>C, p.Cys513Arg (NM_172108.5); c.1630T>C (NM_172107.2); short protein forms C513R, C516R, C526R, C544R.
Identifiers: ClinVar variation 1036550 (VCV001036550.10), dbSNP rs118192232, ClinGen allele CA409645118.

ClinVar aggregate classification (germline): Conflicting classifications of pathogenicity. Review status: criteria provided, conflicting classifications (1 of 4 stars). 2 submissions from 2 submitters: Likely pathogenic (1); Uncertain significance (1). Last evaluated 2024-08-31.

Conditions:
Early-infantile DEE. Also called: Ohtahara syndrome; Early infantile epileptic encephalopathy; Early infantile epileptic encephalopathy with suppression bursts. Identifiers: Orphanet 1934, MedGen C0393706, MONDO:0800491.

Submissions (2):

Labcorp Genetics (formerly Invitae), Labcorp
Classification: Uncertain significance for Early-infantile DEE. Last evaluated: 2024-08-31. Review status: criteria provided, single submitter. Criteria: Invitae Variant Classification Sherloc (09022015). Collection method: clinical testing. Allele origin: germline.
Comment: This sequence change replaces cysteine, which is neutral and slightly polar, with arginine, which is basic and polar, at codon 544 of the KCNQ2 protein (p.Cys544Arg). This variant is not present in population databases (gnomAD no frequency). This variant has not been reported in the literature in individuals affected with KCNQ2-related conditions. ClinVar contains an entry for this variant (Variation ID: 1036550). An algorithm developed to predict the effect of missense changes on protein structure and function (PolyPhen-2) suggests that this variant is likely to be disruptive. In summary, the available evidence is currently insufficient to determine the role of this variant in disease. Therefore, it has been classified as a Variant of Uncertain Significance.

GeneDx
Classification: Likely pathogenic. Last evaluated: 2023-06-15. Review status: criteria provided, single submitter. Criteria: GeneDx Variant Classification Process June 2021. Collection method: clinical testing. Allele origin: germline. Affected: yes.
Comment: Not observed at significant frequency in large population cohorts (gnomAD); Missense variants in this gene are often considered pathogenic (HGMD); In silico analysis supports that this missense variant does not alter protein structure/function; Has not been previously published as pathogenic or benign to our knowledge; This variant is associated with the following publications: (PMID: 27602407)